The following is an entry in ClinVar:

ClinVar aggregate classification (germline): Uncertain significance (1 of 4 stars; one submission).

Conditions:
Inborn genetic diseases. Identifiers: MedGen C0950123, MeSH D030342.

gnomAD v4.1: 5 of 1,613,986 alleles (0.00031%); highest among the groups gnomAD compares: Non-Finnish European, 0.00042%; no homozygotes.

Submission:

Ambry Genetics
Classification: Uncertain significance for Inborn genetic diseases. Last evaluated: 2025-12-03. Review status: criteria provided, single submitter. Criteria: Ambry Variant Classification Scheme 2023. Collection method: clinical testing. Allele origin: germline.
Comment: The p.R553G variant (also known as c.1657A>G), located in coding exon 1 of the SAMD9 gene, results from an A to G substitution at nucleotide position 1657. The arginine at codon 553 is replaced by glycine, an amino acid with dissimilar properties. This amino acid position is conserved. In addition, this alteration is predicted to be tolerated by in silico analysis. Based on the available evidence, the clinical significance of this variant remains unclear.

NM_017654.4(SAMD9):c.1657A>G (p.Arg553Gly)

Gene: SAMD9 (sterile alpha motif domain containing 9; minus strand). Cytogenetic location: 7q21.2.
Variant type: single nucleotide variant.
Coding change: c.1657A>G on transcript NM_017654.4 (MANE Select); coding-DNA position 1657, A replaced by G.
Protein change: p.Arg553Gly; replaces arginine 553 with glycine.
Molecular consequence: missense variant.
Genome position (GRCh38, 1-based): chr7:93,104,441, T>C on the plus strand (A>G on the coding strand, the complement: SAMD9 is on the minus strand). VCF-style: chr7-93104441-T-C. GRCh37 (hg19) VCF-style: chr7-92733754-T-C.
Other names: c.1657A>G, p.Arg553Gly (NM_001193307.2); short protein forms R553G.
Identifiers: ClinVar variation 4629978 (VCV004629978.1).